The following is an entry in ClinVar:

ClinVar aggregate classification (germline): Benign. Review status: criteria provided, single submitter (1 of 4 stars). 2 submissions from 2 submitters: Benign (1). 1 of the submissions does not count toward it. Last evaluated 2018-05-14.

Conditions:
TEX15-related disorder. Also called: TEX15-related condition.

Allele frequency attached by ClinVar (database versions not stated): gnomAD exomes 0.00038; ExAC 0.00046; 1000 Genomes Project 0.00060; 1000 Genomes Project 30x 0.00078; gnomAD 0.00180 and 0.00204; TOPMed 0.00214; ESP Exome Variant Server 0.00261.
gnomAD v4.1: 511 of 1,613,824 alleles (0.032%); highest among the groups gnomAD compares: African/African-American, 0.59%; 1 homozygote.

Submissions (2):

Labcorp Genetics (formerly Invitae), Labcorp
Classification: Benign. Last evaluated: 2018-05-14. Review status: criteria provided, single submitter. Criteria: Invitae Variant Classification Sherloc (09022015). Collection method: clinical testing. Allele origin: germline.

PreventionGenetics, part of Exact Sciences
Classification: Likely benign for TEX15-related condition. Last evaluated: 2019-05-03. Review status: no assertion criteria provided. Collection method: clinical testing. Allele origin: germline. Not counted in ClinVar's aggregate classification.
Comment: This variant is classified as likely benign based on ACMG/AMP sequence variant interpretation guidelines (Richards et al. 2015 PMID: 25741868, with internal and published modifications).

NM_001350162.2(TEX15):c.3510G>A (p.Pro1170=)

Gene: TEX15 (testis expressed 15, meiosis and synapsis associated; minus strand). Cytogenetic location: 8p12.
Variant type: single nucleotide variant.
Coding change: c.3510G>A on transcript NM_001350162.2 (MANE Select); coding-DNA position 3510, G replaced by A.
Protein change: p.Pro1170=; no amino-acid change (proline 1170 retained).
Molecular consequence: synonymous variant.
Genome position (GRCh38, 1-based): chr8:30,846,657, C>T on the plus strand (G>A on the coding strand, the complement: TEX15 is on the minus strand). VCF-style: chr8-30846657-C-T. GRCh37 (hg19) VCF-style: chr8-30704173-C-T.
Other names: c.2361G>A (NM_031271.3).
Identifiers: ClinVar variation 730576 (VCV000730576.5), dbSNP rs149326814, ClinGen allele CA4703239.